The following is an entry in ClinVar:

NM_000049.4(ASPA):c.236+2T>A

Genes: ASPA (aspartoacylase; plus strand), SPATA22 (spermatogenesis associated 22; minus strand). Cytogenetic location: 17p13.2.
Variant type: single nucleotide variant.
Coding change: c.236+2T>A on transcript NM_000049.4 (MANE Select); the canonical splice donor site of the intron after coding-DNA position 236, T replaced by A.
Molecular consequence: splice donor variant. On other transcripts: intron variant (2).
Genome position (GRCh38, 1-based): chr17:3,476,397, T>A. VCF-style: chr17-3476397-T-A. GRCh37 (hg19) VCF-style: chr17-3379691-T-A.
Other names: c.-73-6999A>T (NM_001321336.2, NM_001321337.2); c.236+2T>A (NM_001128085.1).
Identifiers: ClinVar variation 2817808 (VCV002817808.3), dbSNP rs1567608718, ClinGen allele CA397681681.

ClinVar aggregate classification (germline): Likely pathogenic (1 of 4 stars; one submission).

Conditions:
Spongy degeneration of central nervous system. Also called: AMINOACYLASE 2 DEFICIENCY; ACY2 DEFICIENCY; ASP DEFICIENCY; ASPA DEFICIENCY; ASPARTOACYLASE DEFICIENCY; CANAVAN-VAN BOGAERT-BERTRAND DISEASE. Identifiers: Orphanet 141, MedGen C0206307, MONDO:0010079, OMIM 271900.

Submission:

Labcorp Genetics (formerly Invitae), Labcorp
Classification: Likely pathogenic for Spongy degeneration of central nervous system. Last evaluated: 2022-12-01. Review status: criteria provided, single submitter. Criteria: Invitae Variant Classification Sherloc (09022015). Collection method: clinical testing. Allele origin: germline.
Comment: This sequence change affects a donor splice site in intron 1 of the ASPA gene. It is expected to disrupt RNA splicing. Variants that disrupt the donor or acceptor splice site typically lead to a loss of protein function (PMID: 16199547), and loss-of-function variants in ASPA are known to be pathogenic (PMID: 12638939). This variant is not present in population databases (gnomAD no frequency). In summary, the currently available evidence indicates that the variant is pathogenic, but additional data are needed to prove that conclusively. Therefore, this variant has been classified as Likely Pathogenic. Algorithms developed to predict the effect of sequence changes on RNA splicing suggest that this variant may disrupt the consensus splice site. This variant has not been reported in the literature in individuals affected with ASPA-related conditions.

Literature cited by the submitters: PubMed 16199547; PubMed 12638939.